The following is an entry in ClinVar:

ClinVar aggregate classification (germline): Likely benign. Review status: criteria provided, multiple submitters, no conflicts (2 of 4 stars). 3 submissions from 3 submitters: Likely benign (3). Last evaluated 2025-11-10.

Conditions:
Cardiovascular phenotype. Identifiers: MedGen CN230736.
TTN-related disorder. Also called: TTN-related disorders; TTN-related condition; TTN-related disease.
Dilated cardiomyopathy 1G (CMD1G). Identifiers: Orphanet 154, MedGen C1858763, MONDO:0011400, OMIM 604145.
Autosomal recessive limb-girdle muscular dystrophy type 2J (LGMDR10). Also called: Limb-girdle muscular dystrophy, type 2J; MUSCULAR DYSTROPHY, LIMB-GIRDLE, AUTOSOMAL RECESSIVE 10. Identifiers: Orphanet 140922, MedGen C1837342, MONDO:0012127, OMIM 608807.

Allele frequency attached by ClinVar (database versions not stated): gnomAD exomes 0.00001.
gnomAD v4.1: 11 of 1,613,378 alleles (0.00068%); highest among the groups gnomAD compares: Non-Finnish European, 0.00085%; no homozygotes.

Submissions (3):

PreventionGenetics, part of Exact Sciences
Classification: Likely benign for TTN-related condition. Last evaluated: 2025-11-10. Review status: criteria provided, single submitter. Criteria: ACMG Guidelines, 2015. Collection method: clinical testing. Allele origin: germline.
Comment: This variant is classified as likely benign based on ACMG/AMP sequence variant interpretation guidelines (Richards et al. 2015 PMID: 25741868, with internal and published modifications).

Labcorp Genetics (formerly Invitae), Labcorp
Classification: Likely benign for Dilated cardiomyopathy 1G; Autosomal recessive limb-girdle muscular dystrophy type 2J. Last evaluated: 2025-07-28. Review status: criteria provided, single submitter. Criteria: Invitae Variant Classification Sherloc (09022015). Collection method: clinical testing. Allele origin: germline.

Ambry Genetics
Classification: Likely benign for Cardiovascular phenotype. Last evaluated: 2024-06-26. Review status: criteria provided, single submitter. Criteria: Ambry Variant Classification Scheme 2023. Collection method: clinical testing. Allele origin: germline.

NM_001267550.2(TTN):c.64548T>C (p.His21516=)

Genes: TTN-AS1 (TTN antisense RNA 1; plus strand), TTN (titin; minus strand). Cytogenetic location: 2q31.2.
Variant type: single nucleotide variant.
Coding change: c.64548T>C on transcript NM_001267550.2 (MANE Select); coding-DNA position 64548, T replaced by C.
Protein change: p.His21516=; no amino-acid change (histidine 21516 retained).
Molecular consequence: synonymous variant.
Genome position (GRCh38, 1-based): chr2:178,585,196, A>G on the plus strand (T>C on the coding strand, the complement: TTN is on the minus strand). VCF-style: chr2-178585196-A-G. GRCh37 (hg19) VCF-style: chr2-179449923-A-G.
Other names: c.59625T>C, p.His19875= (NM_001256850.1); c.37353T>C, p.His12451= (NM_003319.4); c.56844T>C, p.His18948= (NM_133378.4); c.37728T>C, p.His12576= (NM_133432.3); c.37929T>C, p.His12643= (NM_133437.4).
Identifiers: ClinVar variation 1086735 (VCV001086735.11), dbSNP rs878894570, ClinGen allele CA60962481.